The following is an entry in ClinVar:

NM_024426.6(WT1):c.511G>C (p.Gly171Arg)

Genes: WT1 (WT1 transcription factor; minus strand), LOC107982234 (WT1/WT1-AS bi-directional promoter region; plus strand). Cytogenetic location: 11p13.
Variant type: single nucleotide variant.
Coding change: c.511G>C on transcript NM_024426.6 (MANE Select); coding-DNA position 511, G replaced by C.
Protein change: p.Gly171Arg; replaces glycine 171 with arginine.
Molecular consequence: missense variant. On other transcripts: non-coding transcript variant (2).
Genome position (GRCh38, 1-based): chr11:32,434,850, C>G on the plus strand (G>C on the coding strand, the complement: WT1 is on the minus strand). VCF-style: chr11-32434850-C-G. GRCh37 (hg19) VCF-style: chr11-32456396-C-G.
Other names: c.511G>C, p.Gly171Arg (NM_000378.6, NM_001407044.1, NM_001407045.1 and 6 more transcripts); c.496G>C, p.Gly166Arg (NM_024425.2); short protein forms G166R, G171R.
Identifiers: ClinVar variation 2938948 (VCV002938948.3), dbSNP rs2133102614, ClinGen allele CA379964828.

ClinVar aggregate classification (germline): Uncertain significance (1 of 4 stars; one submission).

Conditions:
Frasier syndrome. Identifiers: Orphanet 347, MedGen C0950122, MeSH D052159, MONDO:0007635, OMIM 136680.
Drash syndrome (DDS). Also called: NEPHROPATHY, WILMS TUMOR, AND GENITAL ANOMALIES; WILMS TUMOR AND PSEUDO- OR TRUE HERMAPHRODITISM. Identifiers: Orphanet 220, MedGen C0950121, MONDO:0008682, OMIM 194080.
Wilms tumor 1 (WT1). Also called: Wilms tumor, somatic. Identifiers: Orphanet 654, MedGen CN033288, MONDO:0008679, OMIM 194070.
11p partial monosomy syndrome (WAGR). Also called: CHROMOSOME 11p13 DELETION SYNDROME; WAGR syndrome; WAGR Complex; WAGR Spectrum Disorder. Identifiers: Orphanet 893, MedGen C0206115, MONDO:0008681, OMIM 194072.

Submission:

Labcorp Genetics (formerly Invitae), Labcorp
Classification: Uncertain significance for Wilms tumor 1; Drash syndrome; 11p partial monosomy syndrome; Frasier syndrome. Last evaluated: 2023-11-10. Review status: criteria provided, single submitter. Criteria: Invitae Variant Classification Sherloc (09022015). Collection method: clinical testing. Allele origin: germline.
Comment: This sequence change replaces glycine, which is neutral and non-polar, with arginine, which is basic and polar, at codon 166 of the WT1 protein (p.Gly166Arg). This variant is not present in population databases (gnomAD no frequency). This variant has not been reported in the literature in individuals affected with WT1-related conditions. An algorithm developed to predict the effect of missense changes on protein structure and function (PolyPhen-2) suggests that this variant is likely to be disruptive. This variant disrupts the p.Gly166 amino acid residue in WT1. Other variant(s) that disrupt this residue have been determined to be pathogenic (Invitae). This suggests that this residue is clinically significant, and that variants that disrupt this residue are likely to be disease-causing. In summary, the available evidence is currently insufficient to determine the role of this variant in disease. Therefore, it has been classified as a Variant of Uncertain Significance.